The following is an entry in ClinVar:

ClinVar aggregate classification (germline): Benign. Review status: criteria provided, multiple submitters, no conflicts (2 of 4 stars). 3 submissions from 3 submitters: Benign (3). Last evaluated 2024-01-24.

Conditions:
Immunodeficiency 88. Also called: IMMUNODEFICIENCY 88, MYCOBACTERIOSIS, AUTOSOMAL RECESSIVE. Identifiers: MedGen C5562026, MONDO:0030483, OMIM 619630.

Allele frequency attached by ClinVar (database versions not stated): 1000 Genomes Project 0.28175; 1000 Genomes Project 30x 0.28201; ESP Exome Variant Server 0.26584; gnomAD 0.28020; TOPMed 0.28501.
gnomAD v4.1: 438,665 of 1,609,696 alleles (27%); highest among the groups gnomAD compares: South Asian, 38%; 62,161 homozygotes.

Submissions (3):

Unidad de Genómica Garrahan, Hospital de Pediatría Garrahan
Classification: Benign. Last evaluated: 2024-01-24. Review status: criteria provided, single submitter. Criteria: ACMG Guidelines, 2015. Collection method: clinical testing. Allele origin: germline. Affected: no. Observed: 45 variant alleles.
Comment: This variant is classified as Benign based on local population frequency. This variant was detected in 47% of patients studied by a panel of primary immunodeficiencies. Number of patients: 45. Only high quality variants are reported.

Genome-Nilou Lab
Classification: Benign for Immunodeficiency 88. Last evaluated: 2021-07-15. Review status: criteria provided, single submitter. Criteria: ACMG Guidelines, 2015. Collection method: clinical testing. Allele origin: germline. Affected: no.

Breakthrough Genomics
Classification: Benign. Review status: criteria provided, single submitter. Criteria: ACMG Guidelines, 2015. Collection method: not provided. Allele origin: germline. Inheritance: Autosomal recessive inheritance. Affected: yes.

NM_013351.2(TBX21):c.390A>G (p.Gly130=)

Gene: TBX21 (T-box transcription factor 21; plus strand). Cytogenetic location: 17q21.32.
Variant type: single nucleotide variant.
Coding change: c.390A>G on transcript NM_013351.2 (MANE Select); coding-DNA position 390, A replaced by G.
Protein change: p.Gly130=; no amino-acid change (glycine 130 retained).
Molecular consequence: synonymous variant.
Genome position (GRCh38, 1-based): chr17:47,733,844, A>G. VCF-style: chr17-47733844-A-G. GRCh37 (hg19) VCF-style: chr17-45811210-A-G.
Identifiers: ClinVar variation 1334938 (VCV001334938.5), dbSNP rs2074190, ClinGen allele CA8626259.
Genomic context (GRCh38, chr17:47,733,844, plus strand): 5'-CCCGGACCCGCGCGCCGGGCTCTACCCGGGGCCGCGTGAGGACTACGCGCTACCCGCGGG[A>G]CTGGAGGTGTCGGGGAAACTGAGGGTCGCGCTCAACAACCACCTGTTGTGGTCCAAGTTT-3'
Protein context (NP_037483.1, residues 120-140): GPREDYALPA[Gly130=]LEVSGKLRVA